The following is an entry in ClinVar:

NM_030665.4(RAI1):c.5012A>C (p.His1671Pro)

Gene: RAI1 (retinoic acid induced 1; plus strand). Cytogenetic location: 17p11.2.
Variant type: single nucleotide variant.
Coding change: c.5012A>C on transcript NM_030665.4 (MANE Select); coding-DNA position 5012, A replaced by C.
Protein change: p.His1671Pro; replaces histidine 1671 with proline.
Molecular consequence: missense variant.
Genome position (GRCh38, 1-based): chr17:17,797,960, A>C. VCF-style: chr17-17797960-A-C. GRCh37 (hg19) VCF-style: chr17-17701274-A-C.
Other names: short protein forms H1671P.
Identifiers: ClinVar variation 588424 (VCV000588424.5), dbSNP rs1041313981, ClinGen allele CA288371723.

ClinVar aggregate classification (germline): Uncertain significance (1 of 4 stars; one submission).

Conditions:
Inborn genetic diseases. Identifiers: MedGen C0950123, MeSH D030342.

gnomAD v4.1: 9 of 1,613,836 alleles (0.00056%); highest among the groups gnomAD compares: Non-Finnish European, 0.00076%; no homozygotes.

Submission:

Ambry Genetics
Classification: Uncertain significance for Inborn genetic diseases. Last evaluated: 2016-11-11. Review status: criteria provided, single submitter. Criteria: Ambry Variant Classification Scheme 2023. Collection method: clinical testing. Allele origin: germline.
Comment: The p.H1671P variant (also known as c.5012A>C), located in coding exon 1 of the RAI1 gene, results from an A to C substitution at nucleotide position 5012. The histidine at codon 1671 is replaced by proline, an amino acid with similar properties. This variant was not reported in population based cohorts in the following databases: Database of Single Nucleotide Polymorphisms (dbSNP), NHLBI Exome Sequencing Project (ESP), and 1000 Genomes Project. In the ESP, this variant was not observed in 6503 samples (13006 alleles) with coverage at this position. This amino acid position is not well conserved in available vertebrate species. In addition, this alteration is predicted to be tolerated by in silico analysis. Since supporting evidence is limited at this time, the clinical significance of this variant remains unclear.